The following is an entry in ClinVar:

NM_006648.4(WNK2):c.5908G>C (p.Val1970Leu)

Gene: WNK2 (WNK lysine deficient protein kinase 2; plus strand). Cytogenetic location: 9q22.31.
Variant type: single nucleotide variant.
Coding change: c.5908G>C on transcript NM_006648.4 (MANE Select); coding-DNA position 5908, G replaced by C.
Protein change: p.Val1970Leu; replaces valine 1970 with leucine.
Molecular consequence: missense variant.
Genome position (GRCh38, 1-based): chr9:93,298,052, G>C. VCF-style: chr9-93298052-G-C. GRCh37 (hg19) VCF-style: chr9-96060334-G-C.
Other names: c.6019G>C, p.Val2007Leu (NM_001282394.3); short protein forms V1970L, V2007L.
Identifiers: ClinVar variation 4605282 (VCV004605282.1).

ClinVar aggregate classification (germline): Uncertain significance (1 of 4 stars; one submission).

Submission:

Ambry Genetics
Classification: Uncertain significance. Last evaluated: 2025-10-22. Review status: criteria provided, single submitter. Criteria: Ambry Variant Classification Scheme 2023. Collection method: clinical testing. Allele origin: germline.
Comment: The p.V1970L variant (also known as c.5908G>C), located in coding exon 23 of the WNK2 gene, results from a G to C substitution at nucleotide position 5908. The valine at codon 1970 is replaced by leucine, an amino acid with highly similar properties. This amino acid position is conserved. In addition, this alteration is predicted to be tolerated by in silico analysis. Based on the available evidence, the clinical significance of this variant remains unclear.